The following is an entry in ClinVar:

ClinVar aggregate classification (germline): Uncertain significance (0 of 4 stars; one submission).

Conditions:
BACH2-related disorder. Also called: BACH2-related condition.

Submission:

PreventionGenetics, part of Exact Sciences
Classification: Uncertain significance for BACH2-related condition. Last evaluated: 2023-12-20. Review status: no assertion criteria provided. Collection method: clinical testing. Allele origin: germline.
Comment: The BACH2 c.1009T>C variant is predicted to result in the amino acid substitution p.Ser337Pro. To our knowledge, this variant has not been reported in the literature or in a large population database, indicating this variant is rare. At this time, the clinical significance of this variant is uncertain due to the absence of conclusive functional and genetic evidence.

NM_021813.4(BACH2):c.1009T>C (p.Ser337Pro)

Gene: BACH2 (BTB domain and CNC homolog 2; minus strand). Cytogenetic location: 6q15.
Variant type: single nucleotide variant.
Coding change: c.1009T>C on transcript NM_021813.4 (MANE Select); coding-DNA position 1009, T replaced by C.
Protein change: p.Ser337Pro; replaces serine 337 with proline.
Molecular consequence: missense variant.
Genome position (GRCh38, 1-based): chr6:89,951,097, A>G on the plus strand (T>C on the coding strand, the complement: BACH2 is on the minus strand). VCF-style: chr6-89951097-A-G. GRCh37 (hg19) VCF-style: chr6-90660816-A-G.
Other names: c.1009T>C, p.Ser337Pro (NM_001170794.2); short protein forms S337P.
Identifiers: ClinVar variation 3030322 (VCV003030322.2), dbSNP rs2533566593, ClinGen allele CA365071763.
Genomic context (GRCh38, chr6:89,951,097, plus strand): 5'-GCAGGCCAGACAGCTCCACACTTTTCGTTATGCTGAACAGAGACCTTAAGCAGGAGGGCG[A>G]GGCCACGCTCCTGGATCTCTCCAGGCAGGCGGCCCCAGCTGGGGCCGTGGGGGTAGGGGC-3'
Protein context (NP_068585.1, residues 327-347): ACLERSRSVA[Ser337Pro]PSCLRSLFSI